The following is an entry in ClinVar:

NM_000685.5(AGTR1):c.155T>G (p.Val52Gly)

Gene: AGTR1 (angiotensin II receptor type 1; plus strand). Cytogenetic location: 3q24.
Variant type: single nucleotide variant.
Coding change: c.155T>G on transcript NM_000685.5 (MANE Select); coding-DNA position 155, T replaced by G.
Protein change: p.Val52Gly; replaces valine 52 with glycine.
Molecular consequence: missense variant.
Genome position (GRCh38, 1-based): chr3:148,741,190, T>G. VCF-style: chr3-148741190-T-G. GRCh37 (hg19) VCF-style: chr3-148458977-T-G.
Other names: c.155T>G (NM_031850.2); c.155T>G, p.Val52Gly (NM_001382736.1, NM_001382737.1, NM_004835.5 and 3 more transcripts); short protein forms V52G.
Identifiers: ClinVar variation 2057287 (VCV002057287.5), dbSNP rs150629733, ClinGen allele CA2657282.

ClinVar aggregate classification (germline): Uncertain significance. Review status: criteria provided, multiple submitters, no conflicts (2 of 4 stars). 2 submissions from 2 submitters: Uncertain significance (2). Last evaluated 2025-08-27.

Conditions:
Inborn genetic diseases. Identifiers: MedGen C0950123, MeSH D030342.

Allele frequency attached by ClinVar (database versions not stated): ExAC 0.00007; gnomAD 0.00017; TOPMed 0.00018; ESP Exome Variant Server 0.00038.
gnomAD v4.1: 344 of 1,614,056 alleles (0.021%); highest among the groups gnomAD compares: Non-Finnish European, 0.027%; no homozygotes.

Submissions (2):

Ambry Genetics
Classification: Uncertain significance for Inborn genetic diseases. Last evaluated: 2025-08-27. Review status: criteria provided, single submitter. Criteria: Ambry Variant Classification Scheme 2023. Collection method: clinical testing. Allele origin: germline.

Labcorp Genetics (formerly Invitae), Labcorp
Classification: Uncertain significance. Last evaluated: 2022-10-17. Review status: criteria provided, single submitter. Criteria: Invitae Variant Classification Sherloc (09022015). Collection method: clinical testing. Allele origin: germline.
Comment: In summary, the available evidence is currently insufficient to determine the role of this variant in disease. Therefore, it has been classified as a Variant of Uncertain Significance. Algorithms developed to predict the effect of missense changes on protein structure and function are either unavailable or do not agree on the potential impact of this missense change (SIFT: "Deleterious"; PolyPhen-2: "Not Available"; Align-GVGD: "Class C35"). This variant has not been reported in the literature in individuals affected with AGTR1-related conditions. This variant is present in population databases (rs150629733, gnomAD 0.02%). This sequence change replaces valine, which is neutral and non-polar, with glycine, which is neutral and non-polar, at codon 87 of the AGTR1 protein (p.Val87Gly).